The following is an entry in ClinVar:

ClinVar aggregate classification (germline): Likely benign. Review status: criteria provided, multiple submitters, no conflicts (2 of 4 stars). 2 submissions from 2 submitters: Likely benign (2). Last evaluated 2025-05-06.

Conditions:
MSRB3-related disorder. Also called: MSRB3-related condition.

gnomAD v4.1: 47 of 1,614,014 alleles (0.0029%); highest among the groups gnomAD compares: Admixed American, 0.0033%; no homozygotes.

Submissions (2):

Labcorp Genetics (formerly Invitae), Labcorp
Classification: Likely benign. Last evaluated: 2025-05-06. Review status: criteria provided, single submitter. Criteria: Invitae Variant Classification Sherloc (09022015). Collection method: clinical testing. Allele origin: germline.

PreventionGenetics, part of Exact Sciences
Classification: Likely benign for MSRB3-related condition. Last evaluated: 2024-12-21. Review status: criteria provided, single submitter. Criteria: ACMG Guidelines, 2015. Collection method: clinical testing. Allele origin: germline.
Comment: This variant is classified as likely benign based on ACMG/AMP sequence variant interpretation guidelines (Richards et al. 2015 PMID: 25741868, with internal and published modifications).

NM_001031679.3(MSRB3):c.462G>A (p.Ser154=)

Gene: MSRB3 (methionine sulfoxide reductase B3; plus strand). Cytogenetic location: 12q14.3.
Variant type: single nucleotide variant.
Coding change: c.462G>A on transcript NM_001031679.3 (MANE Select); coding-DNA position 462, G replaced by A.
Protein change: p.Ser154=; no amino-acid change (serine 154 retained).
Molecular consequence: synonymous variant.
Genome position (GRCh38, 1-based): chr12:65,463,226, G>A. VCF-style: chr12-65463226-G-A. GRCh37 (hg19) VCF-style: chr12-65857006-G-A.
Other names: c.462G>A, p.Ser154= (NM_001193460.2, NM_001193461.2); c.483G>A, p.Ser161= (NM_198080.4); c.483G>A (NM_198080.3).
Identifiers: ClinVar variation 4738521 (VCV004738521.2).
Genomic context (GRCh38, chr12:65,463,226, plus strand): 5'-CCTTGGGCACATTTTTGATGATGGGCCTCGTCCAACTGGGAAAAGATACTGCATAAATTC[G>A]GCTGCCTTGTCTTTTACACCTGCGGATAGCAGTGGCACCGCCGAGGGAGGCAGTGGGGTC-3'
Protein context (NP_001026849.1, residues 144-164): RPTGKRYCIN[Ser154=]AALSFTPADS